The following is an entry in ClinVar:

ClinVar aggregate classification (germline): Likely benign. Review status: criteria provided, multiple submitters, no conflicts (2 of 4 stars). 2 submissions from 2 submitters: Likely benign (2). Last evaluated 2026-02-07.

Conditions:
Cardiovascular phenotype. Identifiers: MedGen CN230736.
Catecholaminergic polymorphic ventricular tachycardia (CVPT). Also called: Catecholamine-induced polymorphic ventricular tachycardia. Identifiers: Orphanet 3286, MedGen C5574922, MONDO:0017990.

gnomAD v4.1: 2 of 1,613,884 alleles (0.00012%); highest among the groups gnomAD compares: African/African-American, 0.0027%; no homozygotes.

Submissions (2):

Ambry Genetics
Classification: Likely benign for Cardiovascular phenotype. Last evaluated: 2026-02-07. Review status: criteria provided, single submitter. Criteria: Ambry Variant Classification Scheme 2023. Collection method: clinical testing. Allele origin: germline.

All of Us Research Program, National Institutes of Health
Classification: Likely benign for Catecholaminergic polymorphic ventricular tachycardia. Last evaluated: 2024-07-29. Review status: criteria provided, single submitter. Criteria: ACMG Guidelines, 2015. Collection method: clinical testing. Allele origin: germline. Inheritance: Autosomal dominant inheritance. Observed: 1 variant allele, 1 heterozygote.
Comment: This study involves interpretation of variants in research participants for the purpose of population health screening. Participant phenotype was not available at the time of variant classification. Additional details can be found in publication PMID: 35346344, PMCID: PMC8962531

NM_001035.3(RYR2):c.4023T>C (p.Ser1341=)

Genes: RYR2 (ryanodine receptor 2; plus strand), LOC126806067 (BRD4-independent group 4 enhancer GRCh37_chr1:237753258-237754457; plus strand). Cytogenetic location: 1q43.
Variant type: single nucleotide variant.
Coding change: c.4023T>C on transcript NM_001035.3 (MANE Select); coding-DNA position 4023, T replaced by C.
Protein change: p.Ser1341=; no amino-acid change (serine 1341 retained).
Molecular consequence: synonymous variant.
Genome position (GRCh38, 1-based): chr1:237,590,855, T>C. VCF-style: chr1-237590855-T-C. GRCh37 (hg19) VCF-style: chr1-237754155-T-C.
Other names: c.4023T>C (NM_001035.2).
Identifiers: ClinVar variation 3385719 (VCV003385719.2).